The following is an entry in ClinVar:

NM_001009944.3(PKD1):c.12124C>T (p.Gln4042Ter)

Gene: PKD1 (polycystin 1, transient receptor potential channel interacting; minus strand). Cytogenetic location: 16p13.3.
Variant type: single nucleotide variant.
Coding change: c.12124C>T on transcript NM_001009944.3 (MANE Select); coding-DNA position 12124, C replaced by T.
Protein change: p.Gln4042Ter; replaces glutamine 4042 with a stop codon.
Molecular consequence: nonsense.
Genome position (GRCh38, 1-based): chr16:2,090,688, G>A on the plus strand (C>T on the coding strand, the complement: PKD1 is on the minus strand). VCF-style: chr16-2090688-G-A. GRCh37 (hg19) VCF-style: chr16-2140689-G-A.
Other names: Q1273*; c.12121C>T, p.Gln4041Ter (NM_000296.4); short protein forms Q4041*, Q4042*.
Identifiers: ClinVar variation 8196 (VCV000008196.17), dbSNP rs199476094, ClinGen allele CA119364.
Genomic context (GRCh38, chr16:2,090,688, plus strand): 5'-AGCTGAGCTGAGCTAAGACGCCCTCCCCGGCCGCGCAGTCACCTACCAGGATGGCCAGCT[G>A]GGCGTAGGCTACCCCGAGCACCACCAGGCCCAAGGTGACCCCCAGGAGCTCTGGCAGAGC-3'

ClinVar aggregate classification (germline): Pathogenic. Review status: criteria provided, multiple submitters, no conflicts (2 of 4 stars). 12 submissions from 12 submitters: Pathogenic (10). 2 of the submissions do not count toward it. Last evaluated 2026-03-30.

Conditions:
Cystic renal disease.
PKD1-related disorder. Also called: PKD1-related condition.
Polycystic kidney disease, adult type (PKD1). Also called: Polycystic Kidney, Autosomal Dominant; POLYCYSTIC KIDNEY DISEASE, ADULT, TYPE I; POLYCYSTIC KIDNEY DISEASE 1 WITH OR WITHOUT POLYCYSTIC LIVER DISEASE; Polycystic Kidney Disease 1, Autosomal Dominant; Polycystic kidney disease 1; Polycystic kidney disease 1, severe. Identifiers: MedGen C3149841, MONDO:0008263, OMIM 173900.

Allele frequency attached by ClinVar (database versions not stated): gnomAD exomes below 0.00001.
gnomAD v4.1: 2 of 1,612,328 alleles (0.00012%); highest among the groups gnomAD compares: Non-Finnish European, 0.00017%; no homozygotes.

Submissions (12):

Victorian Clinical Genetics Services, Murdoch Childrens Research Institute
Classification: Pathogenic for Polycystic kidney disease, adult type. Last evaluated: 2026-03-30. Review status: criteria provided, single submitter. Criteria: ACMG Guidelines, 2015. Collection method: clinical testing. Allele origin: germline. Affected: yes.
Comment: This variant is classified as Pathogenic. Evidence in support of pathogenic classification: Variant is predicted to cause nonsense-mediated decay (NMD) and loss of protein (premature termination codon is located at least 54 nucleotides upstream of the final exon-exon junction); Variant is absent from gnomAD (both v2 and v3); This variant has strong previous evidence of pathogenicity in unrelated individuals. This variant has been reported as pathogenic in several individuals with ADPKD (ClinVar; PMID: 31160911); Many other NMD-predicted variants comparable to the one identified in this case have very strong previous evidence for pathogenicity (DECIPHER). Additional information: This variant is heterozygous; This gene is associated with autosomal dominant disease. Polycystic kidney disease 1 (MIM#173900) is predominantly caused by monoallelic variants, with rare reports of biallelic variants causing disease (OMIM); Loss of function is a known mechanism of disease in this gene and is associated with polycystic kidney disease 1 (MIM#173900); Inheritance information for this variant is not currently available in this individual.

PreventionGenetics, part of Exact Sciences
Classification: Pathogenic for PKD1-related condition. Last evaluated: 2025-11-05. Review status: criteria provided, single submitter. Criteria: ACMG Guidelines, 2015. Collection method: clinical testing. Allele origin: germline.
Comment: The PKD1 c.12124C>T variant is predicted to result in premature protein termination (p.Gln4042*). This variant has been reported in unrelated individuals with autosomal dominant polycystic kidney disease (ADPKD) (see for example, Xu et al 2018. PubMed ID: 29529603; Bitarafan et al. 2019. PubMed ID: 31160911). This variant has not been reported in a large population database (gnomAD), indicating this variant is rare. Nonsense variants in PKD1 are expected to be pathogenic. This variant is interpreted as pathogenic.

Genetics Laboratory, Great Ormond Street Hospital NHS Foundation Trust, North Thames Genomic Laboratory Hub
Classification: Pathogenic for Cystic renal disease. Last evaluated: 2025-10-12. Review status: criteria provided, single submitter. Criteria: ACGS Best Practice Guidelines for Variant Classification in Rare Disease 2024 v1.2. Collection method: clinical testing. Allele origin: germline. Affected: yes.
Comment: PS4_moderate, PM2_moderate, PVS1_very-strong

Department of Clinical Genetics, Copenhagen University Hospital, Rigshospitalet
Classification: Pathogenic for Polycystic kidney disease, adult type. Last evaluated: 2024-12-10. Review status: criteria provided, single submitter. Criteria: ACMG Guidelines, 2015. Collection method: clinical testing. Allele origin: germline.
Comment: PVS1_VStr, PS4_M

Fulgent Genetics
Classification: Pathogenic for Polycystic kidney disease, adult type. Last evaluated: 2024-06-11. Review status: criteria provided, single submitter. Criteria: ACMG Guidelines, 2015. Collection method: clinical testing. Allele origin: germline.

Blueprint Genetics
Classification: Pathogenic for PKD1-related disorders. Last evaluated: 2024-05-28. Review status: criteria provided, single submitter. Criteria: ACMG Guidelines, 2015. Collection method: clinical testing. Allele origin: germline. Affected: yes. Observed: 5 variant alleles.

Department of Pathology and Laboratory Medicine, Sinai Health System
Classification: Pathogenic for Polycystic kidney disease, adult type. Last evaluated: 2024-03-27. Review status: criteria provided, single submitter. Criteria: ACMG Guidelines, 2015. Collection method: clinical testing. Allele origin: germline. Affected: yes.

GeneDx
Classification: Pathogenic. Last evaluated: 2021-06-15. Review status: criteria provided, single submitter. Criteria: GeneDx Variant Classification Process June 2021. Collection method: clinical testing. Allele origin: germline. Affected: yes.
Comment: Nonsense variant predicted to result in protein truncation or nonsense mediated decay in a gene for which loss-of-function is a known mechanism of disease; Not observed at significant frequency in large population cohorts (Lek et al., 2016); This variant is associated with the following publications: (PMID: 27535533, 7581371, 9521593, 27782177, 29633482, 29529603, 31160911, 23300259, 10923038, 10200984, 22508176, 9452060, 33100332, 9044320, 25525159)

Athena Diagnostics
Classification: Pathogenic. Last evaluated: 2021-06-07. Review status: criteria provided, single submitter. Criteria: Athena Diagnostics Criteria. Collection method: clinical testing. Allele origin: unknown.
Comment: This variant is expected to result in the loss of a functional protein. This variant has not been reported in large, multi-ethnic general populations. This variant appears to segregate with disease in at least one family, however, the available information does not rule out segregation due to chance. This variant is also referred to as c.12124C>T;p.Gln4042Ter or c.12332C>T in published literature.

Juno Genomics, Hangzhou Juno Genomics, Inc
Classification: Pathogenic for Polycystic kidney disease, adult type. Review status: criteria provided, single submitter. Criteria: ACMG Guidelines, 2015. Collection method: clinical testing. Allele origin: germline. Affected: yes.
Comment: Absent from controls (or at extremely low frequency if recessive) in Genome Aggregation Database, Exome Sequencing Project, 1000 Genomes Project, or Exome Aggregation Consortium.;Null variant in a gene where loss of function (LOF) is a known mechanism of disease.;The prevalence of the variant in affected individuals is significantly increased compared to the prevalence in controls.;Co-segregation with disease in multiple affected family members in a gene definitively known to cause the disease.;Patient's phenotype or family history is highly specific for a disease with a single genetic etiology.

Gharavi Laboratory, Columbia University
Classification: Pathogenic. Last evaluated: 2018-09-16. Review status: no assertion criteria provided. Criteria: ACMG Guidelines, 2015. Collection method: research. Allele origin: germline. Affected: yes. Not counted in ClinVar's aggregate classification.

OMIM
Classification: Pathogenic for POLYCYSTIC KIDNEY DISEASE 1. Last evaluated: 1995-08-01. Review status: no assertion criteria provided. Collection method: literature only. Allele origin: germline. Not counted in ClinVar's aggregate classification.

Literature cited by the submitters: PubMed 31160911 (cited by Victorian Clinical Genetics Services, Murdoch Childrens Research Institute and Athena Diagnostics); PubMed 22508176 (cited by Department of Pathology and Laboratory Medicine, Sinai Health System); PubMed 15775720 (cited by Department of Pathology and Laboratory Medicine, Sinai Health System and Athena Diagnostics); PubMed 9044320 (cited by Department of Pathology and Laboratory Medicine, Sinai Health System and Athena Diagnostics); PubMed 9452060 (cited by Department of Pathology and Laboratory Medicine, Sinai Health System and Athena Diagnostics); PubMed 9521593 (cited by Department of Pathology and Laboratory Medicine, Sinai Health System and Athena Diagnostics); PubMed 10923038 (cited by Department of Pathology and Laboratory Medicine, Sinai Health System and Athena Diagnostics); PubMed 10200984 (cited by Department of Pathology and Laboratory Medicine, Sinai Health System and Athena Diagnostics); PubMed 27782177 (cited by Athena Diagnostics); PubMed 29529603 (cited by Athena Diagnostics); PubMed 29633482 (cited by Athena Diagnostics); PubMed 19686598 (cited by Athena Diagnostics); PubMed 7581371 (cited by Athena Diagnostics and OMIM).